The following is an entry in ClinVar:

NM_018684.4(ZC4H2):c.124G>A (p.Glu42Lys)

Gene: ZC4H2 (zinc finger C4H2-type containing; minus strand). Cytogenetic location: Xq11.2.
Variant type: single nucleotide variant.
Coding change: c.124G>A on transcript NM_018684.4 (MANE Select); coding-DNA position 124, G replaced by A.
Protein change: p.Glu42Lys; replaces glutamic acid 42 with lysine.
Molecular consequence: missense variant. On other transcripts: non-coding transcript variant (1).
Genome position (GRCh38, 1-based): chrX:64,921,918, C>T on the plus strand (G>A on the coding strand, the complement: ZC4H2 is on the minus strand). VCF-style: chrX-64921918-C-T. GRCh37 (hg19) VCF-style: chrX-64141798-C-T.
Other names: c.55G>A, p.Glu19Lys (NM_001178032.3, NM_001243804.2); c.124G>A, p.Glu42Lys (NM_001178033.3); short protein forms E19K, E42K.
Identifiers: ClinVar variation 4076829 (VCV004076829.1).
Genomic context (GRCh38, chrX:64,921,918, plus strand): 5'-GGGCCATCTTCTCCTGTAGCAGAAGGTCCATCTCCTGCTTGTATTCCTTCAGGTGCCTTT[C>T]CTCTGACTCAAGTGCCTCAAACTCAGCCTTCAAACGAGCCTTGATCTTCTCCATCTGCAG-3'
Protein context (NP_061154.1, residues 32-52): KAEFEALESE[Glu42Lys]RHLKEYKQEM

ClinVar aggregate classification (germline): Uncertain significance (1 of 4 stars; one submission).

Submission:

GeneDx
Classification: Uncertain significance. Last evaluated: 2025-02-19. Review status: criteria provided, single submitter. Criteria: GeneDx Variant Classification Process June 2021. Collection method: clinical testing. Allele origin: germline. Affected: yes.
Comment: Not observed at significant frequency in large population cohorts (gnomAD); In silico analysis supports that this missense variant has a deleterious effect on protein structure/function; Has not been previously published as pathogenic or benign to our knowledge